The following is an entry in ClinVar:

NM_145868.2(ANXA11):c.1481G>A (p.Arg494Gln)

Gene: ANXA11 (annexin A11; minus strand). Cytogenetic location: 10q22.3.
Variant type: single nucleotide variant.
Coding change: c.1481G>A on transcript NM_145868.2 (MANE Select); coding-DNA position 1481, G replaced by A.
Protein change: p.Arg494Gln; replaces arginine 494 with glutamine.
Molecular consequence: missense variant.
Genome position (GRCh38, 1-based): chr10:80,155,890, C>T on the plus strand (G>A on the coding strand, the complement: ANXA11 is on the minus strand). VCF-style: chr10-80155890-C-T. GRCh37 (hg19) VCF-style: chr10-81915646-C-T.
Other names: c.1481G>A, p.Arg494Gln (NM_001157.3, NM_001278407.2, NM_001278408.2 and 1 more transcripts); c.1382G>A, p.Arg461Gln (NM_001278409.2); short protein forms R461Q, R494Q.
Identifiers: ClinVar variation 1343335 (VCV001343335.7), dbSNP rs1318489141, ClinGen allele CA377363340.

ClinVar aggregate classification (germline): Uncertain significance. Review status: criteria provided, multiple submitters, no conflicts (2 of 4 stars). 2 submissions from 2 submitters: Uncertain significance (2). Last evaluated 2022-01-01.

Conditions:
Amyotrophic lateral sclerosis (ALS). Also called: Charcot disease; Lou Gehrig disease. Identifiers: Orphanet 803, MedGen C0002736, MONDO:0004976, HP:0007354.

Allele frequency attached by ClinVar (database versions not stated): gnomAD 0.00001; gnomAD exomes 0.00001 and 0.00002; TOPMed 0.00001.
gnomAD v4.1: 31 of 1,614,056 alleles (0.0019%); highest among the groups gnomAD compares: South Asian, 0.0044%; no homozygotes.

Submissions (2):

Dept. of Medical Genetics, Telemark Hospital Trust, Telemark Hospital Trust
Classification: Uncertain significance for Amyotrophic Lateral Sclerosis. Last evaluated: 2022-01-01. Review status: criteria provided, single submitter. Criteria: ACMG Guidelines, 2015. Collection method: research. Allele origin: germline. Affected: yes.

Labcorp Genetics (formerly Invitae), Labcorp
Classification: Uncertain significance. Last evaluated: 2020-12-26. Review status: criteria provided, single submitter. Criteria: Invitae Variant Classification Sherloc (09022015). Collection method: clinical testing. Allele origin: germline.
Comment: In summary, the available evidence is currently insufficient to determine the role of this variant in disease. Therefore, it has been classified as a Variant of Uncertain Significance. Algorithms developed to predict the effect of missense changes on protein structure and function output the following: SIFT: "Tolerated"; PolyPhen-2: "Benign"; Align-GVGD: "Class C0". The glutamine amino acid residue is found in multiple mammalian species, suggesting that this missense change does not adversely affect protein function. These predictions have not been confirmed by published functional studies and their clinical significance is uncertain. This variant has not been reported in the literature in individuals with ANXA11-related conditions. This variant is not present in population databases (ExAC no frequency). This sequence change replaces arginine with glutamine at codon 494 of the ANXA11 protein (p.Arg494Gln). The arginine residue is moderately conserved and there is a small physicochemical difference between arginine and glutamine.